The following is an entry in ClinVar:

NM_001127649.3(PEX26):c.283G>A (p.Glu95Lys)

Gene: PEX26 (peroxisomal biogenesis factor 26; plus strand). Cytogenetic location: 22q11.21.
Variant type: single nucleotide variant.
Coding change: c.283G>A on transcript NM_001127649.3 (MANE Select); coding-DNA position 283, G replaced by A.
Protein change: p.Glu95Lys; replaces glutamic acid 95 with lysine.
Molecular consequence: missense variant.
Genome position (GRCh38, 1-based): chr22:18,079,926, G>A. VCF-style: chr22-18079926-G-A. GRCh37 (hg19) VCF-style: chr22-18562692-G-A.
Other names: c.283G>A, p.Glu95Lys (NM_001199319.2, NM_017929.6); short protein forms E95K.
Identifiers: ClinVar variation 2121938 (VCV002121938.4), dbSNP rs752178042, ClinGen allele CA410265666.

ClinVar aggregate classification (germline): Uncertain significance (1 of 4 stars; one submission).

Conditions:
Peroxisome biogenesis disorder 7A (Zellweger). Also called: Peroxisome biogenesis disorder 7A. Identifiers: Orphanet 912, MedGen C3888385, MONDO:0013938, OMIM 614872.
Peroxisome biogenesis disorder 7B (PBD7B). Identifiers: Orphanet 44, MedGen C3553951, MONDO:0013939, OMIM 614873.

Allele frequency attached by ClinVar (database versions not stated): gnomAD exomes below 0.00001.
gnomAD v4.1: 1 of 1,614,156 alleles (0.000062%); highest among the groups gnomAD compares: Non-Finnish European, 0.000085%; no homozygotes.

Submission:

Labcorp Genetics (formerly Invitae), Labcorp
Classification: Uncertain significance for Peroxisome biogenesis disorder 7A (Zellweger); Peroxisome biogenesis disorder 7B. Last evaluated: 2023-10-03. Review status: criteria provided, single submitter. Criteria: Invitae Variant Classification Sherloc (09022015). Collection method: clinical testing. Allele origin: germline.
Comment: This sequence change replaces glutamic acid, which is acidic and polar, with lysine, which is basic and polar, at codon 95 of the PEX26 protein (p.Glu95Lys). This variant is not present in population databases (gnomAD no frequency). This variant has not been reported in the literature in individuals affected with PEX26-related conditions. ClinVar contains an entry for this variant (Variation ID: 2121938). Advanced modeling of protein sequence and biophysical properties (such as structural, functional, and spatial information, amino acid conservation, physicochemical variation, residue mobility, and thermodynamic stability) performed at Invitae indicates that this missense variant is expected to disrupt PEX26 protein function. In summary, the available evidence is currently insufficient to determine the role of this variant in disease. Therefore, it has been classified as a Variant of Uncertain Significance.